The following is an entry in ClinVar:

ClinVar aggregate classification (germline): Uncertain significance (1 of 4 stars; one submission).

Conditions:
Charcot-Marie-Tooth disease type 4A. Also called: Charcot-Marie-Tooth disease, demyelinating, autosomal recessive, type 4a. Identifiers: Orphanet 99948, MedGen C1859198, MONDO:0008961, OMIM 214400.

Submission:

Labcorp Genetics (formerly Invitae), Labcorp
Classification: Uncertain significance for Charcot-Marie-Tooth disease type 4A. Last evaluated: 2024-08-15. Review status: criteria provided, single submitter. Criteria: Invitae Variant Classification Sherloc (09022015). Collection method: clinical testing. Allele origin: germline.
Comment: This sequence change replaces leucine, which is neutral and non-polar, with valine, which is neutral and non-polar, at codon 102 of the GDAP1 protein (p.Leu102Val). This variant is not present in population databases (gnomAD no frequency). This variant has not been reported in the literature in individuals affected with GDAP1-related conditions. An algorithm developed to predict the effect of missense changes on protein structure and function outputs the following: PolyPhen-2: "Benign". The valine amino acid residue is found in multiple mammalian species, which suggests that this missense change does not adversely affect protein function. In summary, the available evidence is currently insufficient to determine the role of this variant in disease. Therefore, it has been classified as a Variant of Uncertain Significance.

NM_018972.4(GDAP1):c.304C>G (p.Leu102Val)

Gene: GDAP1 (ganglioside induced differentiation associated protein 1; plus strand). Cytogenetic location: 8q21.11.
Variant type: single nucleotide variant.
Coding change: c.304C>G on transcript NM_018972.4 (MANE Select); coding-DNA position 304, C replaced by G.
Protein change: p.Leu102Val; replaces leucine 102 with valine.
Molecular consequence: missense variant. On other transcripts: intron variant (2).
Genome position (GRCh38, 1-based): chr8:74,351,460, C>G. VCF-style: chr8-74351460-C-G. GRCh37 (hg19) VCF-style: chr8-75263695-C-G.
Other names: c.100C>G, p.Leu34Val (NM_001040875.4); c.304C>G, p.Leu102Val (NM_001362930.2, NM_001362931.2); c.-18+139C>G (NM_001362929.2); c.-18+882C>G (NM_001362932.2); short protein forms L102V, L34V.
Identifiers: ClinVar variation 3628036 (VCV003628036.2).